The following is an entry in ClinVar:

NM_000038.6(APC):c.6811C>G (p.Pro2271Ala)

Gene: APC (APC regulator of Wnt signaling pathway; plus strand). Cytogenetic location: 5q22.2.
Variant type: single nucleotide variant.
Coding change: c.6811C>G on transcript NM_000038.6 (MANE Select); coding-DNA position 6811, C replaced by G.
Protein change: p.Pro2271Ala; replaces proline 2271 with alanine.
Molecular consequence: missense variant. On other transcripts: non-coding transcript variant (2).
Genome position (GRCh38, 1-based): chr5:112,842,405, C>G. VCF-style: chr5-112842405-C-G. GRCh37 (hg19) VCF-style: chr5-112178102-C-G.
Other names: c.6811C>G, p.Pro2271Ala (NM_001127510.3, NM_001354895.2, NM_001407450.1); c.6757C>G, p.Pro2253Ala (NM_001127511.3); c.6865C>G, p.Pro2289Ala (NM_001354896.2, NM_001407447.1, NM_001407448.1 and 1 more transcripts); c.6841C>G, p.Pro2281Ala (NM_001354897.2); c.6736C>G, p.Pro2246Ala (NM_001354898.2); c.6727C>G, p.Pro2243Ala (NM_001354899.2); c.6688C>G, p.Pro2230Ala (NM_001354900.2); c.6634C>G, p.Pro2212Ala (NM_001354901.2, NM_001407453.1); and 11 more; short protein forms P1887A, P1988A, P2111A, P2142A, P2145A, P2170A, P2180A, P2188A.
Identifiers: ClinVar variation 3894118 (VCV003894118.1).
Genomic context (GRCh38, chr5:112,842,405, plus strand): 5'-CCACCCCTTAAGACTCCAGCCTCCAAAAGCCCTAGTGAAGGTCAAACAGCCACCACTTCT[C>G]CTAGAGGAGCCAAGCCATCTGTGAAATCAGAATTAAGCCCTGTTGCCAGGCAGACATCCC-3'
Protein context (NP_000029.2, residues 2261-2281): PSEGQTATTS[Pro2271Ala]RGAKPSVKSE

ClinVar aggregate classification (germline): Uncertain significance (1 of 4 stars; one submission).

Conditions:
Hereditary cancer-predisposing syndrome. Also called: Neoplastic Syndromes, Hereditary; Tumor predisposition; Hereditary Cancer Syndrome; Hereditary neoplastic syndrome. Identifiers: Orphanet 140162, MedGen C0027672, MeSH D009386, MONDO:0015356.

Submission:

Color Diagnostics, LLC DBA Color Health
Classification: Uncertain significance for Hereditary cancer-predisposing syndrome. Last evaluated: 2024-10-28. Review status: criteria provided, single submitter. Criteria: ACMG Guidelines, 2015. Collection method: clinical testing. Allele origin: germline.
Comment: This missense variant replaces proline with alanine at codon 2271 of the APC protein. Computational prediction suggests that this variant may not impact protein structure and function (internally defined REVEL score threshold <= 0.5, PMID: 27666373). To our knowledge, functional studies have not been reported for this variant. This variant has not been reported in individuals affected with APC-related disorders in the literature. This variant has not been identified in the general population by the Genome Aggregation Database (gnomAD). The available evidence is insufficient to determine the role of this variant in disease conclusively. Therefore, this variant is classified as a Variant of Uncertain Significance.